The following is an entry in ClinVar:

ClinVar aggregate classification (germline): Uncertain significance (1 of 4 stars; one submission).

Conditions:
Myofibrillar myopathy 5. Also called: Filaminopathy (type); FILAMINOPATHY, AUTOSOMAL DOMINANT. Identifiers: Orphanet 171445, MedGen C1836050, MONDO:0012289, OMIM 609524.
Hypertrophic cardiomyopathy 26. Also called: Cardiomyopathy, familial hypertrophic, 26. Identifiers: Orphanet 75249, MedGen C4310749, MONDO:0014883, OMIM 617047.
Distal myopathy with posterior leg and anterior hand involvement. Also called: WILLIAMS DISTAL MYOPATHY. Identifiers: Orphanet 63273, MedGen C3279722, MONDO:0013550, OMIM 614065.

gnomAD v4.1: 1 of 1,612,004 alleles (0.000062%); highest among the groups gnomAD compares: Non-Finnish European, 0.000085%; no homozygotes.

Submission:

Labcorp Genetics (formerly Invitae), Labcorp
Classification: Uncertain significance for Distal myopathy with posterior leg and anterior hand involvement; Myofibrillar myopathy 5; Hypertrophic cardiomyopathy 26. Last evaluated: 2024-04-09. Review status: criteria provided, single submitter. Criteria: Invitae Variant Classification Sherloc (09022015). Collection method: clinical testing. Allele origin: germline.
Comment: This sequence change replaces methionine, which is neutral and non-polar, with threonine, which is neutral and polar, at codon 2 of the FLNC protein (p.Met2Thr). This variant is not present in population databases (gnomAD no frequency). This variant has not been reported in the literature in individuals affected with FLNC-related conditions. An algorithm developed to predict the effect of missense changes on protein structure and function (PolyPhen-2) suggests that this variant is likely to be tolerated. In summary, the available evidence is currently insufficient to determine the role of this variant in disease. Therefore, it has been classified as a Variant of Uncertain Significance.

NM_001458.5(FLNC):c.5T>C (p.Met2Thr)

Gene: FLNC (filamin C; plus strand). Cytogenetic location: 7q32.1.
Variant type: single nucleotide variant.
Coding change: c.5T>C on transcript NM_001458.5 (MANE Select); coding-DNA position 5, T replaced by C.
Protein change: p.Met2Thr; replaces methionine 2 with threonine.
Molecular consequence: missense variant.
Genome position (GRCh38, 1-based): chr7:128,830,642, T>C. VCF-style: chr7-128830642-T-C. GRCh37 (hg19) VCF-style: chr7-128470696-T-C.
Other names: c.5T>C, p.Met2Thr (NM_001127487.2); short protein forms M2T.
Identifiers: ClinVar variation 2927408 (VCV002927408.3), dbSNP rs2536604657, ClinGen allele CA369215338.
Genomic context (GRCh38, chr7:128,830,642, plus strand): 5'-CCCCGATAGCCCAAACCGCGGCCCTAGCCCCGGCCGCACCCCCAGCCCGCGCCAGCATGA[T>C]GAACAACAGCGGCTACTCAGACGCCGGCCTCGGCCTGGGCGATGAGACAGACGAGATGCC-3'
Protein context (NP_001449.3, residues 1-12): M[Met2Thr]NNSGYSDAGL